The following is an entry in ClinVar:

ClinVar aggregate classification (germline): Conflicting classifications of pathogenicity. Review status: criteria provided, conflicting classifications (1 of 4 stars). 6 submissions from 6 submitters: Likely pathogenic (2); Uncertain significance (4). Last evaluated 2026-06-18.

Conditions:
OPA1-related disorder. Also called: OPA1-related disorders; OPA1-related condition.
Inborn genetic diseases. Identifiers: MedGen C0950123, MeSH D030342.

Allele frequency attached by ClinVar (database versions not stated): gnomAD 0.00001.
gnomAD v4.1: 1 of 1,507,968 alleles (0.000066%); highest among the groups gnomAD compares: African/African-American, 0.0014%; no homozygotes.

Submissions (6):

Ambry Genetics
Classification: Uncertain significance for Inborn genetic diseases. Last evaluated: 2026-06-18. Review status: criteria provided, single submitter. Criteria: Ambry Variant Classification Scheme 2023. Collection method: clinical testing. Allele origin: germline.
Comment: The c.2883A>C (p.*961Yext*13) variant, located in coding exon 28 of the OPA1 gene, results from an A to C substitution at nucleotide position 2883. This variant disrupts the stop codon of the OPA1 gene and is predicted to preserve the native sequence while resulting in the elongation of the protein by 13 amino acids. The exact functional effect of the additional amino acids is unknown. This variant was not reported in population-based cohorts in the Genome Aggregation Database (gnomAD). This variant was reported in individual(s) with features consistent with OPA1-related optic atrophy (Han, 2006; Yu-Wai-Man, 2011; Charif, 2021). Based on insufficient or conflicting evidence, the clinical significance of this alteration remains unclear.

Dasa
Classification: Uncertain significance. Last evaluated: 2026-02-27. Review status: criteria provided, single submitter. Criteria: DASA Assertion Criteria. Collection method: clinical testing. Allele origin: germline.
Comment: NM_130837.3(OPA1):c.3048A>C (p.*1016Tyrext*13) is a nonsense variant in OPA1 predicted to introduce a premature termination codon. This variant has been recurrently observed in individuals with OPA1-related disorders (PMID: 16617242; PMID: 33841295). Also, this variant is rare in population databases. The currently available literature and clinical evidence are not sufficient to establish a definitive association between this variant and the reported condition. Therefore, this variant is classified as a variant of uncertain significance.

Women's Health and Genetics/Laboratory Corporation of America, LabCorp
Classification: Uncertain significance. Last evaluated: 2024-01-05. Review status: criteria provided, single submitter. Criteria: LabCorp Variant Classification Summary - May 2015. Collection method: clinical testing. Allele origin: germline.
Comment: Variant summary: OPA1 c.2883A>C (p.X961TyrextX13) changes the termination codon and is predicted to lead to an extended protein with additional amino acids added to the normal C-terminus. The variant allele was found at a frequency of 6.6e-06 in 150998 control chromosomes (gnomAD v3.1). The available data on variant occurrences in the general population are insufficient to allow any conclusion about variant significance. The variant, c.2883A>C, has been reported in the literature in at least 3 individuals affected with optic atrophy (Han_2006, Charif_2021), however no cosegregation evidence was provided. These reports therefore do not provide unequivocal conclusions about association of the variant with OPA1-Related Disorders. To our knowledge, no experimental evidence demonstrating an impact on protein function has been reported. ClinVar contains an entry for this variant (Variation ID: 167406). Based on the evidence outlined above, the variant was classified as uncertain significance.

Labcorp Genetics (formerly Invitae), Labcorp
Classification: Uncertain significance. Last evaluated: 2022-10-22. Review status: criteria provided, single submitter. Criteria: Invitae Variant Classification Sherloc (09022015). Collection method: clinical testing. Allele origin: germline.
Comment: This variant is also known as Stop961Tyr, p.*1016Tyr. This protein extension has been observed in individuals with autosomal dominant optic atrophy (PMID: 16617242, 33841295). This variant is not present in population databases (gnomAD no frequency). This sequence change disrupts the translational stop signal of the OPA1 mRNA. It is expected to extend the length of the OPA1 protein by 13 additional amino acid residues. ClinVar contains an entry for this variant (Variation ID: 167406). In summary, the available evidence is currently insufficient to determine the role of this variant in disease. Therefore, it has been classified as a Variant of Uncertain Significance. Experimental studies and prediction algorithms are not available or were not evaluated, and the functional significance of this variant is currently unknown.

Blueprint Genetics
Classification: Likely pathogenic for OPA1-related disorders. Last evaluated: 2021-10-12. Review status: criteria provided, single submitter. Criteria: ACMG Guidelines, 2015. Collection method: clinical testing. Allele origin: germline. Affected: yes. Observed: 1 variant allele.

Eurofins Ntd Llc (ga)
Classification: Likely pathogenic. Last evaluated: 2013-12-20. Review status: criteria provided, single submitter. Criteria: EGL Classification Definitions. Collection method: clinical testing. Allele origin: germline. Observed: 3 variant alleles, 3 heterozygotes.

Literature cited by the submitters: PubMed 12036970 (cited by Ambry Genetics); PubMed 16617242 (cited by 4 submitters); PubMed 21036400 (cited by Ambry Genetics); PubMed 33841295 (cited by 4 submitters).

NM_130837.3(OPA1):c.3048A>C (p.Ter1016Tyr)

Gene: OPA1 (OPA1 mitochondrial dynamin like GTPase; plus strand). Cytogenetic location: 3q29.
Variant type: single nucleotide variant.
Coding change: c.3048A>C on transcript NM_130837.3 (MANE Select); coding-DNA position 3048, A replaced by C.
Protein change: p.Ter1016Tyr.
Molecular consequence: stop lost.
Genome position (GRCh38, 1-based): chr3:193,692,127, A>C. VCF-style: chr3-193692127-A-C. GRCh37 (hg19) VCF-style: chr3-193409916-A-C.
Other names: *1016Y; *961Y; *943Y; *962Y; *837Y; *979Y; *998Y; *838Y; and 12 more.
Identifiers: ClinVar variation 167406 (VCV000167406.16), dbSNP rs143929819, ClinGen allele CA234466.